The following is an entry in ClinVar:

ClinVar aggregate classification (germline): Uncertain significance. Review status: criteria provided, multiple submitters, no conflicts (2 of 4 stars). 2 submissions from 2 submitters: Uncertain significance (2). Last evaluated 2024-05-09.

Conditions:
Cardiovascular phenotype. Identifiers: MedGen CN230736.
Brugada syndrome. Also called: Sudden unexplained nocturnal death syndrome; Sudden Unexplained Death Syndrome; Sudden Unexplained Nocturnal Death Syndrome (SUNDS); Sudden unexpected nocturnal death syndrome. Identifiers: Orphanet 130, MedGen C1142166, MONDO:0015263.

Submissions (2):

Labcorp Genetics (formerly Invitae), Labcorp
Classification: Uncertain significance for Brugada syndrome. Last evaluated: 2024-05-09. Review status: criteria provided, single submitter. Criteria: Invitae Variant Classification Sherloc (09022015). Collection method: clinical testing. Allele origin: germline.
Comment: This sequence change replaces arginine, which is basic and polar, with proline, which is neutral and non-polar, at codon 503 of the CACNA2D1 protein (p.Arg503Pro). This variant is not present in population databases (gnomAD no frequency). This variant has not been reported in the literature in individuals affected with CACNA2D1-related conditions. ClinVar contains an entry for this variant (Variation ID: 2585871). An algorithm developed to predict the effect of missense changes on protein structure and function (PolyPhen-2) suggests that this variant is likely to be disruptive. In summary, the available evidence is currently insufficient to determine the role of this variant in disease. Therefore, it has been classified as a Variant of Uncertain Significance.

Ambry Genetics
Classification: Uncertain significance for Cardiovascular phenotype. Last evaluated: 2023-08-13. Review status: criteria provided, single submitter. Criteria: Ambry Variant Classification Scheme 2023. Collection method: clinical testing. Allele origin: germline.
Comment: The p.R503P variant (also known as c.1508G>C), located in coding exon 17 of the CACNA2D1 gene, results from a G to C substitution at nucleotide position 1508. The arginine at codon 503 is replaced by proline, an amino acid with dissimilar properties. This amino acid position is conserved. In addition, the in silico prediction for this alteration is inconclusive. Since supporting evidence is limited at this time, the clinical significance of this alteration remains unclear.

NM_000722.4(CACNA2D1):c.1508G>C (p.Arg503Pro)

Gene: CACNA2D1 (calcium voltage-gated channel auxiliary subunit alpha2delta 1; minus strand). Cytogenetic location: 7q21.11.
Variant type: single nucleotide variant.
Coding change: c.1508G>C on transcript NM_000722.4 (MANE Select); coding-DNA position 1508, G replaced by C.
Protein change: p.Arg503Pro; replaces arginine 503 with proline.
Molecular consequence: missense variant.
Genome position (GRCh38, 1-based): chr7:82,005,772, C>G on the plus strand (G>C on the coding strand, the complement: CACNA2D1 is on the minus strand). VCF-style: chr7-82005772-C-G. GRCh37 (hg19) VCF-style: chr7-81635088-C-G.
Other names: c.1508G>C, p.Arg503Pro (NM_001366867.1); short protein forms R503P.
Identifiers: ClinVar variation 2585871 (VCV002585871.4), dbSNP rs758561622, ClinGen allele CA367877359.